The following is an entry in ClinVar:

ClinVar aggregate classification (germline): Uncertain significance. Review status: criteria provided, multiple submitters, no conflicts (2 of 4 stars). 2 submissions from 2 submitters: Uncertain significance (2). Last evaluated 2025-07-02.

Allele frequency attached by ClinVar (database versions not stated): gnomAD 0.00001; TOPMed 0.00001.
gnomAD v4.1: 1 of 1,613,866 alleles (0.000062%); highest among the groups gnomAD compares: African/African-American, 0.0013%; no homozygotes.

Submissions (2):

Labcorp Genetics (formerly Invitae), Labcorp
Classification: Uncertain significance. Last evaluated: 2025-07-02. Review status: criteria provided, single submitter. Criteria: Invitae Variant Classification Sherloc (09022015). Collection method: clinical testing. Allele origin: germline.
Comment: This sequence change replaces leucine, which is neutral and non-polar, with valine, which is neutral and non-polar, at codon 707 of the BPTF protein (p.Leu707Val). This variant is not present in population databases (gnomAD no frequency). This variant has not been reported in the literature in individuals affected with BPTF-related conditions. ClinVar contains an entry for this variant (Variation ID: 1702714). An algorithm developed to predict the effect of missense changes on protein structure and function (PolyPhen-2) suggests that this variant is likely to be tolerated. In summary, the available evidence is currently insufficient to determine the role of this variant in disease. Therefore, it has been classified as a Variant of Uncertain Significance.

GeneDx
Classification: Uncertain significance. Last evaluated: 2022-02-18. Review status: criteria provided, single submitter. Criteria: GeneDx Variant Classification Process June 2021. Collection method: clinical testing. Allele origin: germline. Affected: yes.
Comment: Not observed at significant frequency in large population cohorts (gnomAD); In silico analysis supports that this missense variant does not alter protein structure/function; Has not been previously published as pathogenic or benign to our knowledge

NM_182641.4(BPTF):c.1865-5651C>G

Gene: BPTF (bromodomain PHD finger transcription factor; plus strand). Cytogenetic location: 17q24.2.
Variant type: single nucleotide variant.
Coding change: c.1865-5651C>G on transcript NM_182641.4 (MANE Select); 5651 bases into the intron before coding-DNA position 1865, C replaced by G.
Molecular consequence: intron variant. On other transcripts: missense variant (1).
Genome position (GRCh38, 1-based): chr17:67,886,193, C>G. VCF-style: chr17-67886193-C-G. GRCh37 (hg19) VCF-style: chr17-65882309-C-G.
Other names: c.2119C>G, p.Leu707Val (NM_004459.7); short protein forms L707V.
Identifiers: ClinVar variation 1702714 (VCV001702714.3), dbSNP rs1052681108, ClinGen allele CA293242302.